The following is an entry in ClinVar:

ClinVar aggregate classification (germline): Uncertain significance. Review status: criteria provided, multiple submitters, no conflicts (2 of 4 stars). 2 submissions from 2 submitters: Uncertain significance (2). Last evaluated 2026-03-24.

Conditions:
Hereditary sensory and autonomic neuropathy type 7. Also called: HSAN VII; Neuropathy, hereditary sensory and autonomic, type VII. Identifiers: Orphanet 391397, MedGen C3809882, MONDO:0014244, OMIM 615548.
Familial episodic pain syndrome with predominantly lower limb involvement. Also called: Episodic pain syndrome, familial, 3. Identifiers: Orphanet 391384, Orphanet 391392, MedGen C3809899, MONDO:0014247, OMIM 615552.

Allele frequency attached by ClinVar (database versions not stated): TOPMed below 0.00001; gnomAD exomes 0.00001.
gnomAD v4.1: 11 of 1,607,410 alleles (0.00068%); highest among the groups gnomAD compares: Non-Finnish European, 0.00093%; no homozygotes.

Submissions (2):

Women's Health and Genetics/Laboratory Corporation of America, LabCorp
Classification: Uncertain significance. Last evaluated: 2026-03-24. Review status: criteria provided, single submitter. Criteria: LabCorp Variant Classification Summary - May 2015. Collection method: clinical testing. Allele origin: germline.
Comment: Variant summary: SCN11A c.3515T>C (p.Ile1172Thr) results in a non-conservative amino acid change in the encoded protein sequence. Algorithms developed to predict the effect of missense changes on protein structure and function are either unavailable or do not agree on the potential impact of this missense change. The variant allele was found at a frequency of 8.2e-06 in 243706 control chromosomes. The available data on variant occurrences in the general population are insufficient to allow any conclusion about variant significance. To our knowledge, no occurrence of c.3515T>C in individuals affected with SCN11A-related conditions and no experimental evidence demonstrating its impact on protein function have been reported. ClinVar contains an entry for this variant (Variation ID: 2139442). Based on the evidence outlined above, the variant was classified as uncertain significance.

Labcorp Genetics (formerly Invitae), Labcorp
Classification: Uncertain significance for Familial episodic pain syndrome with predominantly lower limb involvement; Hereditary sensory and autonomic neuropathy type 7. Last evaluated: 2024-02-22. Review status: criteria provided, single submitter. Criteria: Invitae Variant Classification Sherloc (09022015). Collection method: clinical testing. Allele origin: germline.
Comment: This sequence change replaces isoleucine, which is neutral and non-polar, with threonine, which is neutral and polar, at codon 1172 of the SCN11A protein (p.Ile1172Thr). This variant is present in population databases (no rsID available, gnomAD 0.002%). This variant has not been reported in the literature in individuals affected with SCN11A-related conditions. ClinVar contains an entry for this variant (Variation ID: 2139442). Advanced modeling of protein sequence and biophysical properties (such as structural, functional, and spatial information, amino acid conservation, physicochemical variation, residue mobility, and thermodynamic stability) has been performed at Invitae for this missense variant, however the output from this modeling did not meet the statistical confidence thresholds required to predict the impact of this variant on SCN11A protein function. In summary, the available evidence is currently insufficient to determine the role of this variant in disease. Therefore, it has been classified as a Variant of Uncertain Significance.

NM_001349253.2(SCN11A):c.3515T>C (p.Ile1172Thr)

Genes: SCN11A (sodium voltage-gated channel alpha subunit 11; minus strand), LOC126806652 (CDK7 strongly-dependent group 2 enhancer GRCh37_chr3:38912374-38913573; plus strand). Cytogenetic location: 3p22.2.
Variant type: single nucleotide variant.
Coding change: c.3515T>C on transcript NM_001349253.2 (MANE Select); coding-DNA position 3515, T replaced by C.
Protein change: p.Ile1172Thr; replaces isoleucine 1172 with threonine.
Molecular consequence: missense variant.
Genome position (GRCh38, 1-based): chr3:38,871,689, A>G on the plus strand (T>C on the coding strand, the complement: SCN11A is on the minus strand). VCF-style: chr3-38871689-A-G. GRCh37 (hg19) VCF-style: chr3-38913180-A-G.
Other names: c.3515T>C, p.Ile1172Thr (NM_014139.3); short protein forms I1172T.
Identifiers: ClinVar variation 2139442 (VCV002139442.5), dbSNP rs1196234819, ClinGen allele CA352171194.